The following is an entry in ClinVar:

ClinVar aggregate classification (germline): Conflicting classifications of pathogenicity. Review status: criteria provided, conflicting classifications (1 of 4 stars). 2 submissions from 2 submitters: Uncertain significance (1); Likely benign (1). Last evaluated 2024-07-01.

Conditions:
Obesity. Also called: Obesity disorder. Identifiers: Orphanet 71529, MedGen C0028754, MeSH D009765, MONDO:0011122, HP:0001513.

Allele frequency attached by ClinVar (database versions not stated): gnomAD 0.00004; TOPMed 0.00004; ESP Exome Variant Server 0.00023.
gnomAD v4.1: 222 of 1,613,952 alleles (0.014%); highest among the groups gnomAD compares: Non-Finnish European, 0.018%; no homozygotes.

Submissions (2):

CeGaT Center for Human Genetics Tuebingen
Classification: Likely benign. Last evaluated: 2024-07-01. Review status: criteria provided, single submitter. Criteria: CeGaT Center For Human Genetics Tuebingen Variant Classification Criteria Version 2. Collection method: clinical testing. Allele origin: germline. Affected: yes. Observed: 1 variant allele.
Comment: MC4R: BP4, BP7

Illumina Laboratory Services, Illumina
Classification: Uncertain significance for Inherited obesity. Last evaluated: 2018-01-13. Review status: criteria provided, single submitter. Criteria: ICSL Variant Classification Criteria 13 December 2019. Collection method: clinical testing. Allele origin: germline.

NM_005912.3(MC4R):c.534G>A (p.Thr178=)

Gene: MC4R (melanocortin 4 receptor; minus strand). Cytogenetic location: 18q21.32.
Variant type: single nucleotide variant.
Coding change: c.534G>A on transcript NM_005912.3 (MANE Select); coding-DNA position 534, G replaced by A.
Protein change: p.Thr178=; no amino-acid change (threonine 178 retained).
Molecular consequence: synonymous variant.
Genome position (GRCh38, 1-based): chr18:60,371,816, C>T on the plus strand (G>A on the coding strand, the complement: MC4R is on the minus strand). VCF-style: chr18-60371816-C-T. GRCh37 (hg19) VCF-style: chr18-58039049-C-T.
Identifiers: ClinVar variation 892154 (VCV000892154.21), dbSNP rs146056286, ClinGen allele CA8980899.